The following is an entry in ClinVar:

NM_001089.3(ABCA3):c.3242G>A (p.Arg1081Gln)

Gene: ABCA3 (ATP binding cassette subfamily A member 3; minus strand). Cytogenetic location: 16p13.3.
Variant type: single nucleotide variant.
Coding change: c.3242G>A on transcript NM_001089.3 (MANE Select); coding-DNA position 3242, G replaced by A.
Protein change: p.Arg1081Gln; replaces arginine 1081 with glutamine.
Molecular consequence: missense variant.
Genome position (GRCh38, 1-based): chr16:2,286,730, C>T on the plus strand (G>A on the coding strand, the complement: ABCA3 is on the minus strand). VCF-style: chr16-2286730-C-T. GRCh37 (hg19) VCF-style: chr16-2336731-C-T.
Other names: short protein forms R1081Q.
Identifiers: ClinVar variation 884510 (VCV000884510.7), dbSNP rs565777051, ClinGen allele CA7840569.

ClinVar aggregate classification (germline): Uncertain significance. Review status: criteria provided, multiple submitters, no conflicts (2 of 4 stars). 3 submissions from 3 submitters: Uncertain significance (3). Last evaluated 2023-09-14.

Conditions:
Interstitial lung disease due to ABCA3 deficiency. Also called: PULMONARY ALVEOLAR PROTEINOSIS, CONGENITAL, 3. Identifiers: Orphanet 440402, MedGen C1970456, MONDO:0012582, OMIM 610921.
Hereditary pulmonary alveolar proteinosis. Also called: Pulmonary surfactant metabolism dysfunction. Identifiers: Orphanet 264675, MedGen C3711368, MONDO:0012580.

Allele frequency attached by ClinVar (database versions not stated): TOPMed 0.00002; gnomAD 0.00003; 1000 Genomes Project 30x 0.00016; 1000 Genomes Project 0.00020.
gnomAD v4.1: 39 of 1,613,734 alleles (0.0024%); highest among the groups gnomAD compares: African/African-American, 0.0027%; no homozygotes.

Submissions (3):

Blueprint Genetics
Classification: Uncertain significance. Last evaluated: 2023-09-14. Review status: criteria provided, single submitter. Criteria: ACMG Guidelines, 2015. Collection method: clinical testing. Allele origin: germline.

Illumina Laboratory Services, Illumina
Classification: Uncertain significance for Interstitial lung disease due to ABCA3 deficiency. Last evaluated: 2018-01-12. Review status: criteria provided, single submitter. Criteria: ICSL Variant Classification Criteria 13 December 2019. Collection method: clinical testing. Allele origin: germline.

Ambry Genetics
Classification: Uncertain significance for Hereditary pulmonary alveolar proteinosis. Last evaluated: 2014-12-31. Review status: criteria provided, single submitter. Criteria: Ambry Variant Classification Scheme 2023. Collection method: clinical testing. Allele origin: germline.
Comment: The p.R1081Q variant (also known as c.3242G>A), located in coding exon 19 of the ABCA3 gene, results from a G to A substitution at nucleotide position 3242. The arginine at codon 1081 is replaced by glutamine, an amino acid with highly similar properties. This variant was not reported in population based cohorts in the following databases: Database of Single Nucleotide Polymorphisms (dbSNP), NHLBI Exome Sequencing Project (ESP), and 1000 Genomes Project. In the ESP, this variant was not observed in 6498 samples (12996 alleles) with coverage at this position. This amino acid position is highly conserved in available vertebrate species. In addition, the in silico prediction for this alteration is inconclusive. Since supporting evidence is limited at this time, the clinical significance of this variant remains unclear